The following is an entry in ClinVar:

ClinVar aggregate classification (germline): Uncertain significance (1 of 4 stars; one submission).

Submission:

GeneDx
Classification: Uncertain significance. Last evaluated: 2023-05-24. Review status: criteria provided, single submitter. Criteria: GeneDx Variant Classification Process June 2021. Collection method: clinical testing. Allele origin: germline. Affected: yes.
Comment: Not observed at significant frequency in large population cohorts (gnomAD); In silico analysis supports that this missense variant has a deleterious effect on protein structure/function; Has not been previously published as pathogenic or benign to our knowledge

NM_001318510.2(ACSL4):c.1383G>T (p.Trp461Cys)

Gene: ACSL4 (acyl-CoA synthetase long chain family member 4; minus strand). Cytogenetic location: Xq23.
Variant type: single nucleotide variant.
Coding change: c.1383G>T on transcript NM_001318510.2 (MANE Select); coding-DNA position 1383, G replaced by T.
Protein change: p.Trp461Cys; replaces tryptophan 461 with cysteine.
Molecular consequence: missense variant.
Genome position (GRCh38, 1-based): chrX:109,665,427, C>A on the plus strand (G>T on the coding strand, the complement: ACSL4 is on the minus strand). VCF-style: chrX-109665427-C-A. GRCh37 (hg19) VCF-style: chrX-108908656-C-A.
Other names: c.1506G>T, p.Trp502Cys (NM_001318509.2, NM_022977.3); c.1383G>T, p.Trp461Cys (NM_004458.3); short protein forms W461C, W502C.
Identifiers: ClinVar variation 3342667 (VCV003342667.1).
Genomic context (GRCh38, chrX:109,665,427, plus strand): 5'-ACAGTAGTTTTCAGCATATCTTGAATCACTAGAGCTTTTCATAAAATTCTTACCTTCTTG[C>A]CAGTCTTTTAGCTTAATTTCACAGCAAATAAGAGGTGCTCCAACTCTGCCAGTAGTATAG-3'
Protein context (NP_001305439.1, residues 451-471): LICCEIKLKD[Trp461Cys]QEGGYTINDK